The following is an entry in ClinVar:

ClinVar aggregate classification (germline): Uncertain significance (1 of 4 stars; one submission).

Submission:

Labcorp Genetics (formerly Invitae), Labcorp
Classification: Uncertain significance. Last evaluated: 2024-04-12. Review status: criteria provided, single submitter. Criteria: Invitae Variant Classification Sherloc (09022015). Collection method: clinical testing. Allele origin: germline.
Comment: This sequence change replaces asparagine, which is neutral and polar, with aspartic acid, which is acidic and polar, at codon 368 of the IGF1R protein (p.Asn368Asp). This variant is not present in population databases (gnomAD no frequency). This variant has not been reported in the literature in individuals affected with IGF1R-related conditions. An algorithm developed to predict the effect of missense changes on protein structure and function (PolyPhen-2) suggests that this variant is likely to be tolerated. In summary, the available evidence is currently insufficient to determine the role of this variant in disease. Therefore, it has been classified as a Variant of Uncertain Significance.

NM_000875.5(IGF1R):c.1102A>G (p.Asn368Asp)

Genes: IGF1R (insulin like growth factor 1 receptor; plus strand), LOC126862245 (P300/CBP strongly-dependent group 1 enhancer GRCh37_chr15:99439536-99440735; plus strand). Cytogenetic location: 15q26.3.
Variant type: single nucleotide variant.
Coding change: c.1102A>G on transcript NM_000875.5 (MANE Select); coding-DNA position 1102, A replaced by G.
Protein change: p.Asn368Asp; replaces asparagine 368 with aspartic acid.
Molecular consequence: missense variant.
Genome position (GRCh38, 1-based): chr15:98,896,905, A>G. VCF-style: chr15-98896905-A-G. GRCh37 (hg19) VCF-style: chr15-99440134-A-G.
Other names: c.1102A>G, p.Asn368Asp (NM_001291858.2); short protein forms N368D.
Identifiers: ClinVar variation 3649680 (VCV003649680.2).